The following is an entry in ClinVar:

ClinVar aggregate classification (germline): Uncertain significance (1 of 4 stars; one submission).

Conditions:
Inborn genetic diseases. Identifiers: MedGen C0950123, MeSH D030342.

Submission:

Ambry Genetics
Classification: Uncertain significance for Inborn genetic diseases. Last evaluated: 2025-09-16. Review status: criteria provided, single submitter. Criteria: Ambry Variant Classification Scheme 2023. Collection method: clinical testing. Allele origin: germline.
Comment: The c.8042+1G>A intronic alteration results from a G to A substitution one nucleotide after coding exon 48 of the WDFY3 gene. Alterations that disrupt the canonical splice site are expected to result in aberrant splicing. The resulting transcript is predicted to be in-frame and is not expected to trigger nonsense-mediated mRNA decay, although direct evidence is unavailable. This variant was not reported in population-based cohorts in the Genome Aggregation Database (gnomAD). This nucleotide position is highly conserved in available vertebrate species. In silico splice site analysis predicts that this alteration will weaken the native splice donor site. Based on insufficient or conflicting evidence, the clinical significance of this alteration remains unclear.

NM_014991.6(WDFY3):c.8042+1G>A

Gene: WDFY3 (WD repeat and FYVE domain containing 3; minus strand). Cytogenetic location: 4q21.23.
Variant type: single nucleotide variant.
Coding change: c.8042+1G>A on transcript NM_014991.6 (MANE Select); the canonical splice donor site of the intron after coding-DNA position 8042, G replaced by A.
Molecular consequence: splice donor variant.
Genome position (GRCh38, 1-based): chr4:84,713,158, C>T on the plus strand (G>A on the coding strand, the complement: WDFY3 is on the minus strand). VCF-style: chr4-84713158-C-T. GRCh37 (hg19) VCF-style: chr4-85634311-C-T.
Identifiers: ClinVar variation 4634621 (VCV004634621.1).
Genomic context (GRCh38, chr4:84,713,158, plus strand): 5'-CAGATATGAATCATCCCAACTTCACTATTAAACTGTAACATGCAAGGAACAAACCACCTA[C>T]CCCTGCTCCACACTCGTGTTTGGTCGTTGCCCAGATACAGATTCTGAACTGTCCGTTAGA-3'